The following is an entry in ClinVar:

ClinVar aggregate classification (germline): Uncertain significance (1 of 4 stars; one submission).

Conditions:
Hereditary cancer-predisposing syndrome. Also called: Hereditary neoplastic syndrome; Hereditary Cancer Syndrome; Neoplastic Syndromes, Hereditary; Tumor predisposition. Identifiers: Orphanet 140162, MedGen C0027672, MeSH D009386, MONDO:0015356.

Submission:

Ambry Genetics
Classification: Uncertain significance for Hereditary cancer-predisposing syndrome. Last evaluated: 2023-05-05. Review status: criteria provided, single submitter. Criteria: Ambry Variant Classification Scheme 2023. Collection method: clinical testing. Allele origin: germline.
Comment: The p.K623I variant (also known as c.1868A>T), located in coding exon 6 of the MET gene, results from an A to T substitution at nucleotide position 1868. The lysine at codon 623 is replaced by isoleucine, an amino acid with dissimilar properties. This amino acid position is well conserved in available vertebrate species. In addition, the in silico prediction for this alteration is inconclusive. Since supporting evidence is limited at this time, the clinical significance of this alteration remains unclear.

NM_000245.4(MET):c.1868A>T (p.Lys623Ile)

Gene: MET (MET proto-oncogene, receptor tyrosine kinase; plus strand). Cytogenetic location: 7q31.2.
Variant type: single nucleotide variant.
Coding change: c.1868A>T on transcript NM_000245.4 (MANE Select); coding-DNA position 1868, A replaced by T.
Protein change: p.Lys623Ile; replaces lysine 623 with isoleucine.
Molecular consequence: missense variant.
Genome position (GRCh38, 1-based): chr7:116,757,442, A>T. VCF-style: chr7-116757442-A-T. GRCh37 (hg19) VCF-style: chr7-116397496-A-T.
Other names: c.1868A>T, p.Lys623Ile (NM_001127500.3, NM_001324401.3); c.578A>T, p.Lys193Ile (NM_001324402.2); short protein forms K623I, K193I.
Identifiers: ClinVar variation 2567691 (VCV002567691.2), dbSNP rs2116919726, ClinGen allele CA368979212.
Genomic context (GRCh38, chr7:116,757,442, plus strand): 5'-TAACCAGAAAATTCCTTGGATTTGTCATGTATTAAACTTTGGGTTTTTTTTCCAGATTGA[A>T]ATGCACAGTTGGTCCTGCCATGAATAAGCATTTCAATATGTCCATAATTATTTCAAATGG-3'
Protein context (NP_000236.2, residues 613-633): TLSESTMNTL[Lys623Ile]CTVGPAMNKH